The following is an entry in ClinVar:

ClinVar aggregate classification (germline): Uncertain significance (1 of 4 stars; one submission).

Conditions:
Intellectual developmental disorder with autism and macrocephaly. Also called: CHD8-Related Neurodevelopmental Disorder with Overgrowth; Autism, susceptibility to, 18. Identifiers: Orphanet 642675, MedGen C3554373, MONDO:0014017, OMIM 615032.

Submission:

Clinical Genomics Laboratory, Washington University in St. Louis
Classification: Uncertain significance for Intellectual developmental disorder with autism and macrocephaly. Last evaluated: 2024-12-19. Review status: criteria provided, single submitter. Criteria: ACMG Guidelines, 2015. Collection method: clinical testing. Allele origin: germline.
Comment: The CHD8 c.7182+1dup variant, to our knowledge, has not been reported in the medical literature and is absent from the general population (gnomAD v.2.1.1), indicating it is not a common variant. This variant occurs within the canonical splice donor site, which is predicted to affect RNA splicing. Two nearby splice variants (c.7182+1G>A, c.7182+4A>T) are classified as variants of uncertain significance in ClinVar (ClinVar variation IDs: 2627603, 1300472). Due to limited information, and based on ACMG/AMP guidelines for variant interpretation (Richards S et al., PMID: 25741868), the clinical significance of this variant is uncertain at this time.

NM_001170629.2(CHD8):c.7182+1dup

Gene: CHD8 (chromodomain helicase DNA binding protein 8; minus strand). Cytogenetic location: 14q11.2.
Variant type: Duplication.
Coding change: c.7182+1dup on transcript NM_001170629.2 (MANE Select); the canonical splice donor site of the intron after coding-DNA position 7182, one base duplicated (G; older notation c.7182+1dupG).
Molecular consequence: splice donor variant.
Genome position (GRCh38, 1-based): chr14:21,390,946, C duplicated on the plus strand (G on the coding strand, the reverse complement: CHD8 is on the minus strand); the first of 2 consecutive C bases (chr14:21,390,946-21,390,947); duplicating either gives the same sequence. VCF-style (leftmost placement, unchanged base first): chr14-21390945-A-AC. GRCh37 (hg19) VCF-style: chr14-21859104-A-AC.
Other names: c.6345+1dup (NM_020920.4).
Identifiers: ClinVar variation 3600535 (VCV003600535.1).